The following is an entry in ClinVar:

ClinVar aggregate classification (germline): Uncertain significance. Review status: criteria provided, multiple submitters, no conflicts (2 of 4 stars). 2 submissions from 2 submitters: Uncertain significance (2). Last evaluated 2025-05-08.

Conditions:
KIDINS220-related disorder. Also called: KIDINS220-related condition.

Allele frequency attached by ClinVar (database versions not stated): gnomAD exomes below 0.00001.
gnomAD v4.1: 1 of 1,614,202 alleles (0.000062%); highest among the groups gnomAD compares: Non-Finnish European, 0.000085%; no homozygotes.

Submissions (2):

PreventionGenetics, part of Exact Sciences
Classification: Uncertain significance for KIDINS220-related condition. Last evaluated: 2025-05-08. Review status: criteria provided, single submitter. Criteria: ACMG Guidelines, 2015. Collection method: clinical testing. Allele origin: germline.
Comment: The KIDINS220 c.4481A>G variant is predicted to result in the amino acid substitution p.Lys1494Arg. To our knowledge, this variant has not been reported in the literature or in a large population database (gnomAD), indicating this variant is rare. At this time, the clinical significance of this variant is uncertain due to the absence of conclusive functional and genetic evidence.

Labcorp Genetics (formerly Invitae), Labcorp
Classification: Uncertain significance. Last evaluated: 2023-03-08. Review status: criteria provided, single submitter. Criteria: Invitae Variant Classification Sherloc (09022015). Collection method: clinical testing. Allele origin: germline.
Comment: Algorithms developed to predict the effect of missense changes on protein structure and function output the following: SIFT: "Not Available"; PolyPhen-2: "Benign"; Align-GVGD: "Not Available". The arginine amino acid residue is found in multiple mammalian species, which suggests that this missense change does not adversely affect protein function. This variant has not been reported in the literature in individuals affected with KIDINS220-related conditions. This variant is not present in population databases (gnomAD no frequency). This sequence change replaces lysine, which is basic and polar, with arginine, which is basic and polar, at codon 1494 of the KIDINS220 protein (p.Lys1494Arg). In summary, the available evidence is currently insufficient to determine the role of this variant in disease. Therefore, it has been classified as a Variant of Uncertain Significance.

NM_020738.4(KIDINS220):c.4481A>G (p.Lys1494Arg)

Gene: KIDINS220 (kinase D interacting substrate 220; minus strand). Cytogenetic location: 2p25.1.
Variant type: single nucleotide variant.
Coding change: c.4481A>G on transcript NM_020738.4 (MANE Select); coding-DNA position 4481, A replaced by G.
Protein change: p.Lys1494Arg; replaces lysine 1494 with arginine.
Molecular consequence: missense variant. On other transcripts: intron variant (6).
Genome position (GRCh38, 1-based): chr2:8,731,555, T>C on the plus strand (A>G on the coding strand, the complement: KIDINS220 is on the minus strand). VCF-style: chr2-8731555-T-C. GRCh37 (hg19) VCF-style: chr2-8871685-T-C.
Other names: c.4184A>G, p.Lys1395Arg (NM_001348736.2); c.3882+1889A>G (NM_001348741.2, NM_001348742.2, NM_001348743.2); c.3996+1889A>G (NM_001348738.2); c.3885+1889A>G (NM_001348739.2, NM_001348740.2); c.4481A>G (NM_020738.2); c.4484A>G, p.Lys1495Arg (NM_001348729.2); c.4427A>G, p.Lys1476Arg (NM_001348731.2); c.4424A>G, p.Lys1475Arg (NM_001348732.2); and 2 more; short protein forms K1395R, K1438R, K1495R, K1437R, K1494R, K1475R, K1476R.
Identifiers: ClinVar variation 2844122 (VCV002844122.4), dbSNP rs2527402665, ClinGen allele CA345764231.